The following is an entry in ClinVar:

ClinVar aggregate classification (germline): Uncertain significance. Review status: criteria provided, multiple submitters, no conflicts (2 of 4 stars). 3 submissions from 3 submitters: Uncertain significance (3). Last evaluated 2026-02-16.

Conditions:
Inborn genetic diseases. Identifiers: MedGen C0950123, MeSH D030342.

Allele frequency attached by ClinVar (database versions not stated): gnomAD exomes below 0.00001; TOPMed below 0.00001.
gnomAD v4.1: 1 of 1,614,168 alleles (0.000062%); highest among the groups gnomAD compares: Non-Finnish European, 0.000085%; no homozygotes.

Submissions (3):

Ambry Genetics
Classification: Uncertain significance for Inborn genetic diseases. Last evaluated: 2026-02-16. Review status: criteria provided, single submitter. Criteria: Ambry Variant Classification Scheme 2023. Collection method: clinical testing. Allele origin: germline.

Blueprint Genetics
Classification: Uncertain significance. Last evaluated: 2024-03-19. Review status: criteria provided, single submitter. Criteria: ACMG Guidelines, 2015. Collection method: clinical testing. Allele origin: germline.

Labcorp Genetics (formerly Invitae), Labcorp
Classification: Uncertain significance. Last evaluated: 2021-08-31. Review status: criteria provided, single submitter. Criteria: Invitae Variant Classification Sherloc (09022015). Collection method: clinical testing. Allele origin: germline.
Comment: This sequence change replaces methionine with valine at codon 245 of the FAM161A protein (p.Met245Val). The methionine residue is moderately conserved and there is a small physicochemical difference between methionine and valine. This variant is not present in population databases (ExAC no frequency). This variant has not been reported in the literature in individuals affected with FAM161A-related conditions. Algorithms developed to predict the effect of missense changes on protein structure and function (SIFT, PolyPhen-2, Align-GVGD) all suggest that this variant is likely to be tolerated. Algorithms developed to predict the effect of sequence changes on RNA splicing suggest that this variant may create or strengthen a splice site. In summary, the available evidence is currently insufficient to determine the role of this variant in disease. Therefore, it has been classified as a Variant of Uncertain Significance.

NM_001201543.2(FAM161A):c.733A>G (p.Met245Val)

Gene: FAM161A (FAM161 centrosomal protein A; minus strand). Cytogenetic location: 2p15.
Variant type: single nucleotide variant.
Coding change: c.733A>G on transcript NM_001201543.2 (MANE Select); coding-DNA position 733, A replaced by G.
Protein change: p.Met245Val; replaces methionine 245 with valine.
Molecular consequence: missense variant. On other transcripts: non-coding transcript variant (1).
Genome position (GRCh38, 1-based): chr2:61,840,271, T>C on the plus strand (A>G on the coding strand, the complement: FAM161A is on the minus strand). VCF-style: chr2-61840271-T-C. GRCh37 (hg19) VCF-style: chr2-62067406-T-C.
Other names: c.733A>G, p.Met245Val (NM_032180.3); c.733A>G (NM_001201543.1); short protein forms M245V.
Identifiers: ClinVar variation 1412567 (VCV001412567.7), dbSNP rs1672966785, ClinGen allele CA346988510.
Genomic context (GRCh38, chr2:61,840,271, plus strand): 5'-CCATTTCGATATCTGATTTAGATTTCATGGACTCTTCTTTTTTCTTCTGTTCTCTTATCA[T>C]CATTTGAAAAGGCTCCGGTACTGTAATTGTGGGCACCCATTCTTTTCGTTTCTTCCTTCT-3'
Protein context (NP_001188472.1, residues 235-255): TITVPEPFQM[Met245Val]IREQKKKEES